The following is an entry in ClinVar:

ClinVar aggregate classification (germline): Conflicting classifications of pathogenicity. Review status: criteria provided, conflicting classifications (1 of 4 stars). 3 submissions from 3 submitters: Uncertain significance (1); Likely benign (1). 1 of the submissions does not count toward it. Last evaluated 2025-01-13.

Conditions:
SYNE2-related disorder. Also called: SYNE2-related condition.
Emery-Dreifuss muscular dystrophy 5, autosomal dominant (EDMD5). Also called: EMERY-DREIFUSS MUSCULAR DYSTROPHY 5. Identifiers: Orphanet 261, MedGen C2751805, MONDO:0013072, OMIM 612999.

Allele frequency attached by ClinVar (database versions not stated): ExAC 0.00001; gnomAD 0.00001; TOPMed 0.00002; ESP Exome Variant Server 0.00008.
gnomAD v4.1: 51 of 1,614,106 alleles (0.0032%); highest among the groups gnomAD compares: East Asian, 0.0067%; no homozygotes.

Submissions (3):

Labcorp Genetics (formerly Invitae), Labcorp
Classification: Likely benign for Emery-Dreifuss muscular dystrophy 5, autosomal dominant. Last evaluated: 2025-01-13. Review status: criteria provided, single submitter. Criteria: Invitae Variant Classification Sherloc (09022015). Collection method: clinical testing. Allele origin: germline.

Eurofins Ntd Llc (ga)
Classification: Uncertain significance. Last evaluated: 2015-08-18. Review status: criteria provided, single submitter. Criteria: EGL Classification Definitions 2015. Collection method: clinical testing. Allele origin: germline. Observed: 1 variant allele, 1 heterozygote.

PreventionGenetics, part of Exact Sciences
Classification: Likely benign for SYNE2-related condition. Last evaluated: 2019-02-19. Review status: no assertion criteria provided. Collection method: clinical testing. Allele origin: germline. Not counted in ClinVar's aggregate classification.
Comment: This variant is classified as likely benign based on ACMG/AMP sequence variant interpretation guidelines (Richards et al. 2015 PMID: 25741868, with internal and published modifications).

NM_182914.3(SYNE2):c.18393C>T (p.Ile6131=)

Gene: SYNE2 (spectrin repeat containing nuclear envelope protein 2; plus strand). Cytogenetic location: 14q23.2.
Variant type: single nucleotide variant.
Coding change: c.18393C>T on transcript NM_182914.3 (MANE Select); coding-DNA position 18393, C replaced by T.
Protein change: p.Ile6131=; no amino-acid change (isoleucine 6131 retained).
Molecular consequence: synonymous variant.
Genome position (GRCh38, 1-based): chr14:64,209,431, C>T. VCF-style: chr14-64209431-C-T. GRCh37 (hg19) VCF-style: chr14-64676149-C-T.
Other names: c.18393C>T (NM_182914.2); c.18393C>T, p.Ile6131= (NM_015180.6).
Identifiers: ClinVar variation 282472 (VCV000282472.9), dbSNP rs370317926, ClinGen allele CA7224082.